The following is an entry in ClinVar:

ClinVar aggregate classification (germline): Likely pathogenic (1 of 4 stars; one submission).

Conditions:
Hereditary cancer-predisposing syndrome. Also called: Neoplastic Syndromes, Hereditary; Tumor predisposition; Hereditary Cancer Syndrome; Hereditary neoplastic syndrome. Identifiers: Orphanet 140162, MedGen C0027672, MeSH D009386, MONDO:0015356.

Submission:

Ambry Genetics
Classification: Likely pathogenic for Hereditary cancer-predisposing syndrome. Last evaluated: 2026-03-03. Review status: criteria provided, single submitter. Criteria: Ambry Variant Classification Scheme 2023. Collection method: clinical testing. Allele origin: germline.
Comment: The c.1187-1G>T intronic variant results from a G to T substitution one nucleotide upstream from coding exon 13 of the MUTYH gene. Variants that disrupt the canonical splice site are expected to cause aberrant splicing. In silico splice site analysis predicts that this alteration will weaken the native splice acceptor site and will result in the creation or strengthening of a novel splice acceptor site. RNA studies have demonstrated that this variant results in a transcript predicted to lead to a protein with an in-frame deletion of 4 amino acid(s) and the region predicted to be impacted is critical for protein function (Ambry internal data). This variant is considered to be rare based on population cohorts in the Genome Aggregation Database (gnomAD). This nucleotide position is highly conserved in available vertebrate species. Based on the majority of available evidence to date, this variant is likely to be pathogenic.

NM_001048174.2(MUTYH):c.1103-1G>T

Gene: MUTYH (mutY DNA glycosylase; minus strand). Cytogenetic location: 1p34.1.
Variant type: single nucleotide variant.
Coding change: c.1103-1G>T on transcript NM_001048174.2 (MANE Select); the canonical splice acceptor site of the intron before coding-DNA position 1103, G replaced by T.
Molecular consequence: splice acceptor variant.
Genome position (GRCh38, 1-based): chr1:45,331,557, C>A on the plus strand (G>T on the coding strand, the complement: MUTYH is on the minus strand). VCF-style: chr1-45331557-C-A. GRCh37 (hg19) VCF-style: chr1-45797229-C-A.
Other names: c.1103-1G>T (NM_001407072.1, NM_001407073.1, NM_001048171.2 and 6 more transcripts); c.758-1G>T (NM_001350651.2, NM_001350650.2, NM_001407082.1); c.827-1G>T (NM_001293192.2, NM_001293196.2, NM_001407091.1); c.1148-1G>T (NM_001293190.2); c.1136-1G>T (NM_001407069.1, NM_001407077.1, NM_001293191.2); c.1178-1G>T (NM_012222.3); c.1187-1G>T (NM_001128425.2); c.1106-1G>T (NM_001407071.1, NM_001048172.2, NM_001407078.1 and 1 more transcripts); and 5 more.
Identifiers: ClinVar variation 4827487 (VCV004827487.1).